The following is an entry in ClinVar:

NM_000257.4(MYH7):c.5560-2A>C

Gene: MYH7 (myosin heavy chain 7; minus strand). Cytogenetic location: 14q11.2.
Variant type: single nucleotide variant.
Coding change: c.5560-2A>C on transcript NM_000257.4 (MANE Select); the canonical splice acceptor site of the intron before coding-DNA position 5560, A replaced by C.
Molecular consequence: splice acceptor variant.
Genome position (GRCh38, 1-based): chr14:23,414,104, T>G on the plus strand (A>C on the coding strand, the complement: MYH7 is on the minus strand). VCF-style: chr14-23414104-T-G. GRCh37 (hg19) VCF-style: chr14-23883313-T-G.
Other names: c.5560-2A>C (NM_001407004.1).
Identifiers: ClinVar variation 562179 (VCV000562179.6), dbSNP rs1566521710, ClinGen allele CA389034986.

ClinVar aggregate classification (germline): Likely pathogenic. Review status: criteria provided, single submitter (1 of 4 stars). 2 submissions from 1 submitter: Likely pathogenic (2). Last evaluated 2018-09-13.

Conditions:
Congenital myopathy with fiber type disproportion. Also called: Congenital fiber-type disproportion myopathy; Congenital fiber-type disproportion. Identifiers: Orphanet 2020, MedGen C0546264, MONDO:0009711. Inheritance: all.
MYH7-related skeletal myopathy. Also called: Myopathy, distal, 1; Laing distal myopathy; MYOPATHY, DISTAL, EARLY-ONSET, AUTOSOMAL DOMINANT; MYOPATHY, LATE DISTAL HEREDITARY; Laing early-onset distal myopathy. Identifiers: Orphanet 59135, MedGen C4552004, MONDO:0008050, OMIM 160500.

Submissions (2):

Centre for Mendelian Genomics, University Medical Centre Ljubljana
Classification: Likely pathogenic for MYH7-related skeletal myopathy. Last evaluated: 2018-09-13. Review status: criteria provided, single submitter. Criteria: ACMG Guidelines, 2015. Collection method: clinical testing. Allele origin: germline. Inheritance: Autosomal dominant inheritance. Affected: yes. Observed: 1 heterozygote.
Comment: The variant c.5560-2A>C (NM_000257.3) in gene MYH7 causes a change at the acceptor site of consensus splicing sequence required for proper exon splicing and is located 2 basepair(s) from the exon-intron junction. The variant is not recorded in the database of populational genetic variation - dbSNP v138 and was not present among 60 thousand control subjects of the ExAC project. The variant has not yet been reported in patients with similar clinical presentation. In accordance with ACMG/AMP standards and guidelines for interpretation of sequence variants (Roberts et al. 2015) this variant is classified as a likely pathogenic variant (evidence categories: PM2, PP1-M, PP3, PP4). The identified variant in the MYH7 gene (c.5560-2A>C) has not been previously described in patients with similar phenotype, so it is not possible to conclusively assert the pathogenicity of identified finding. The following lines of evidence support the variant's pathogenicity: (1) the location in an evolutionary highly conserved gene region, (2) anticipated affect on splicing by modification of consensus splice site and the prediction of a likely effect on splicing using Human Splice Finder 3.0 tool, (3) the absence of variant from all control populations and (4) compatibility with the referred clinical presentation and autosomal dominant pattern of inheritance in the family. The identified variant in the MYH7 gene is predicted to result in in-frame deletion of exon 38 from MYH7 transcript. Variant with similar effect (skipping of exon 38) has previously been identified in patients with MYH7-related myopathies (Pajusalu et al., 2016; Fiorillo et al., 2016).

Centre for Mendelian Genomics, University Medical Centre Ljubljana
Classification: Likely pathogenic for Congenital myopathy 4A, autosomal dominant. Last evaluated: 2016-01-01. Review status: criteria provided, single submitter. Criteria: ACMG Guidelines, 2015. Collection method: clinical testing. Allele origin: unknown. Affected: yes.
Comment: This variant was classified as: Likely pathogenic. The following ACMG criteria were applied in classifying this variant: PM2,PP1,PP3,PP4.